The following is an entry in ClinVar:

NM_001165963.4(SCN1A):c.5048T>C (p.Ile1683Thr)

Genes: SCN1A (sodium voltage-gated channel alpha subunit 1; minus strand), LOC102724058 (uncharacterized LOC102724058; plus strand). Cytogenetic location: 2q24.3.
Variant type: single nucleotide variant.
Coding change: c.5048T>C on transcript NM_001165963.4 (MANE Select); coding-DNA position 5048, T replaced by C.
Protein change: p.Ile1683Thr; replaces isoleucine 1683 with threonine.
Molecular consequence: missense variant. On other transcripts: non-coding transcript variant (1).
Genome position (GRCh38, 1-based): chr2:165,992,227, A>G on the plus strand (T>C on the coding strand, the complement: SCN1A is on the minus strand). VCF-style: chr2-165992227-A-G. GRCh37 (hg19) VCF-style: chr2-166848737-A-G.
Other names: c.4964T>C, p.Ile1655Thr (NM_001165964.3, NM_001353957.2, NM_001353958.2); c.5048T>C, p.Ile1683Thr (NM_001202435.3, NM_001353948.2); c.5015T>C, p.Ile1672Thr (NM_001353949.2, NM_001353950.2, NM_001353951.2 and 2 more transcripts); c.5012T>C, p.Ile1671Thr (NM_001353954.2, NM_001353955.2); c.4961T>C, p.Ile1654Thr (NM_001353960.2); c.2606T>C, p.Ile869Thr (NM_001353961.2); short protein forms I1654T, I1655T, I1671T, I1672T, I1683T, I869T.
Identifiers: ClinVar variation 1072577 (VCV001072577.10), dbSNP rs2105433108, ClinGen allele CA349069493.

ClinVar aggregate classification (germline): Pathogenic (1 of 4 stars; one submission).

Conditions:
Early-infantile DEE. Also called: Ohtahara syndrome; Early infantile epileptic encephalopathy with suppression bursts; Early infantile epileptic encephalopathy. Identifiers: Orphanet 1934, MedGen C0393706, MONDO:0800491.

Submission:

Labcorp Genetics (formerly Invitae), Labcorp
Classification: Pathogenic for Early-infantile DEE. Last evaluated: 2020-10-20. Review status: criteria provided, single submitter. Criteria: Invitae Variant Classification Sherloc (09022015). Collection method: clinical testing. Allele origin: germline.
Comment: For these reasons, this variant has been classified as Pathogenic. Advanced modeling of protein sequence and biophysical properties (such as structural, functional, and spatial information, amino acid conservation, physicochemical variation, residue mobility, and thermodynamic stability) performed at Invitae indicates that this missense variant is expected to disrupt SCN1A protein function. This variant has been observed in individual(s) with Dravet syndrome (PMID: 21248271, 25459968). This variant is not present in population databases (ExAC no frequency). This sequence change replaces isoleucine with threonine at codon 1683 of the SCN1A protein (p.Ile1683Thr). The isoleucine residue is highly conserved and there is a moderate physicochemical difference between isoleucine and threonine.

Literature cited by the submitters: PubMed 21248271; PubMed 25459968.